The following is an entry in ClinVar:

ClinVar aggregate classification (germline): Uncertain significance. Review status: criteria provided, multiple submitters, no conflicts (2 of 4 stars). 2 submissions from 2 submitters: Uncertain significance (2). Last evaluated 2024-07-20.

Allele frequency attached by ClinVar (database versions not stated): TOPMed 0.00001; gnomAD exomes 0.00002; gnomAD 0.00001.
gnomAD v4.1: 23 of 1,543,992 alleles (0.0015%); highest among the groups gnomAD compares: Admixed American, 0.002%; no homozygotes.

Submissions (2):

Labcorp Genetics (formerly Invitae), Labcorp
Classification: Uncertain significance. Last evaluated: 2024-07-20. Review status: criteria provided, single submitter. Criteria: Invitae Variant Classification Sherloc (09022015). Collection method: clinical testing. Allele origin: germline.
Comment: This sequence change replaces proline, which is neutral and non-polar, with serine, which is neutral and polar, at codon 1612 of the CASZ1 protein (p.Pro1612Ser). This variant is present in population databases (rs774653511, gnomAD 0.008%). This variant has not been reported in the literature in individuals affected with CASZ1-related conditions. ClinVar contains an entry for this variant (Variation ID: 2066820). An algorithm developed to predict the effect of missense changes on protein structure and function outputs the following: PolyPhen-2: "Benign". The serine amino acid residue is found in multiple mammalian species, which suggests that this missense change does not adversely affect protein function. In summary, the available evidence is currently insufficient to determine the role of this variant in disease. Therefore, it has been classified as a Variant of Uncertain Significance.

Ambry Genetics
Classification: Uncertain significance. Last evaluated: 2024-05-26. Review status: criteria provided, single submitter. Criteria: Ambry Variant Classification Scheme 2023. Collection method: clinical testing. Allele origin: germline.

NM_001079843.3(CASZ1):c.4834C>T (p.Pro1612Ser)

Gene: CASZ1 (castor zinc finger 1; minus strand). Cytogenetic location: 1p36.22.
Variant type: single nucleotide variant.
Coding change: c.4834C>T on transcript NM_001079843.3 (MANE Select); coding-DNA position 4834, C replaced by T.
Protein change: p.Pro1612Ser; replaces proline 1612 with serine.
Molecular consequence: missense variant.
Genome position (GRCh38, 1-based): chr1:10,639,388, G>A on the plus strand (C>T on the coding strand, the complement: CASZ1 is on the minus strand). VCF-style: chr1-10639388-G-A. GRCh37 (hg19) VCF-style: chr1-10699445-G-A.
Other names: c.4834C>T (NM_001079843.1); short protein forms P1612S.
Identifiers: ClinVar variation 2066820 (VCV002066820.5), dbSNP rs774653511, ClinGen allele CA584113.
Genomic context (GRCh38, chr1:10,639,388, plus strand): 5'-GGAAGAGCAGCGAGCCCGGCTCGGCGCCCAGCGACAGGGAGCCGTCCAGACTGATGGGAG[G>A]CCCGGGCGCGGGGCCCTCTGCCGCGGGCTCGCCGCGCTCCTGCTTCTCGTGCTTGCGCTT-3'
Protein context (NP_001073312.1, residues 1602-1622): EPAAEGPAPG[Pro1612Ser]PISLDGSLSL